The following is an entry in ClinVar:

ClinVar aggregate classification (germline): Uncertain significance. Review status: criteria provided, multiple submitters, no conflicts (2 of 4 stars). 3 submissions from 3 submitters: Uncertain significance (3). Last evaluated 2025-09-19.

Conditions:
Joubert syndrome. Also called: Familial aplasia of the vermis; CEREBELLOPARENCHYMAL DISORDER IV; JOUBERT-BOLTSHAUSER SYNDROME. Identifiers: Orphanet 475, MedGen C5979921, MONDO:0018772.
Meckel-Gruber syndrome. Also called: Dysencephalia splachnocystica; DYSENCEPHALIA SPLANCHNOCYSTICA; GRUBER SYNDROME. Identifiers: Orphanet 564, MedGen C0265215, MONDO:0018921.

gnomAD v4.1: 2 of 661,812 alleles (0.0003%); highest among the groups gnomAD compares: Non-Finnish European, 0.00055%; no homozygotes.

Submissions (3):

Mayo Clinic Laboratories, Mayo Clinic
Classification: Uncertain significance. Last evaluated: 2025-09-19. Review status: criteria provided, single submitter. Criteria: ACMG Guidelines, 2015. Collection method: clinical testing. Allele origin: germline. Observed: 1 variant allele.
Comment: BP4_moderate, PM2_supporting

Labcorp Genetics (formerly Invitae), Labcorp
Classification: Uncertain significance for Joubert syndrome; Meckel-Gruber syndrome. Last evaluated: 2025-03-17. Review status: criteria provided, single submitter. Criteria: Invitae Variant Classification Sherloc (09022015). Collection method: clinical testing. Allele origin: germline.
Comment: This sequence change replaces threonine, which is neutral and polar, with asparagine, which is neutral and polar, at codon 1143 of the RPGRIP1L protein (p.Thr1143Asn). The frequency data for this variant in the population databases is considered unreliable, as metrics indicate poor data quality at this position in the gnomAD database. This variant has not been reported in the literature in individuals affected with RPGRIP1L-related conditions. ClinVar contains an entry for this variant (Variation ID: 1019425). An algorithm developed to predict the effect of missense changes on protein structure and function (PolyPhen-2) suggests that this variant is likely to be tolerated. In summary, the available evidence is currently insufficient to determine the role of this variant in disease. Therefore, it has been classified as a Variant of Uncertain Significance.

Revvity Omics, Revvity
Classification: Uncertain significance. Last evaluated: 2023-03-14. Review status: criteria provided, single submitter. Criteria: ACMG Guidelines, 2015. Collection method: clinical testing. Allele origin: germline.

NM_015272.5(RPGRIP1L):c.3428C>A (p.Thr1143Asn)

Gene: RPGRIP1L (RPGRIP1 like; minus strand). Cytogenetic location: 16q12.2.
Variant type: single nucleotide variant.
Coding change: c.3428C>A on transcript NM_015272.5 (MANE Select); coding-DNA position 3428, C replaced by A.
Protein change: p.Thr1143Asn; replaces threonine 1143 with asparagine.
Molecular consequence: missense variant. On other transcripts: intron variant (2).
Genome position (GRCh38, 1-based): chr16:53,622,223, G>T on the plus strand (C>A on the coding strand, the complement: RPGRIP1L is on the minus strand). VCF-style: chr16-53622223-G-T. GRCh37 (hg19) VCF-style: chr16-53656135-G-T.
Other names: p.Thr1143Asn; c.3326C>A, p.Thr1109Asn (NM_001330538.2); c.3193-3015C>A (NM_001127897.4); c.3295-3015C>A (NM_001308334.3); short protein forms T1109N, T1143N.
Identifiers: ClinVar variation 1019425 (VCV001019425.8), dbSNP rs111775292, ClinGen allele CA281358292.